The following is an entry in ClinVar:

NM_004260.4(RECQL4):c.3145G>A (p.Asp1049Asn)

Gene: RECQL4 (RecQ like helicase 4; minus strand). Cytogenetic location: 8q24.3.
Variant type: single nucleotide variant.
Coding change: c.3145G>A on transcript NM_004260.4 (MANE Select); coding-DNA position 3145, G replaced by A.
Protein change: p.Asp1049Asn; replaces aspartic acid 1049 with asparagine.
Molecular consequence: missense variant.
Genome position (GRCh38, 1-based): chr8:144,512,235, C>T on the plus strand (G>A on the coding strand, the complement: RECQL4 is on the minus strand). VCF-style: chr8-144512235-C-T. GRCh37 (hg19) VCF-style: chr8-145737618-C-T.
Other names: short protein forms D1049N.
Identifiers: ClinVar variation 528968 (VCV000528968.9), dbSNP rs1176326208, ClinGen allele CA4947910.

ClinVar aggregate classification (germline): Uncertain significance. Review status: criteria provided, multiple submitters, no conflicts (2 of 4 stars). 2 submissions from 2 submitters: Uncertain significance (2). Last evaluated 2025-09-15.

Conditions:
Inborn genetic diseases. Identifiers: MedGen C0950123, MeSH D030342.
Baller-Gerold syndrome (BGS). Also called: CRANIOSYNOSTOSIS WITH RADIAL DEFECTS. Identifiers: Orphanet 1225, MedGen C0265308, MONDO:0009039, OMIM 218600.

Allele frequency attached by ClinVar (database versions not stated): gnomAD exomes 0.00001; TOPMed 0.00001; gnomAD 0.00002.
gnomAD v4.1: 21 of 1,612,284 alleles (0.0013%); highest among the groups gnomAD compares: East Asian, 0.02%; no homozygotes.

Submissions (2):

Labcorp Genetics (formerly Invitae), Labcorp
Classification: Uncertain significance for Baller-Gerold syndrome. Last evaluated: 2025-09-15. Review status: criteria provided, single submitter. Criteria: Invitae Variant Classification Sherloc (09022015). Collection method: clinical testing. Allele origin: germline.
Comment: This sequence change replaces aspartic acid, which is acidic and polar, with asparagine, which is neutral and polar, at codon 1049 of the RECQL4 protein (p.Asp1049Asn). This variant is present in population databases (no rsID available, gnomAD 0.04%). This variant has not been reported in the literature in individuals affected with RECQL4-related conditions. ClinVar contains an entry for this variant (Variation ID: 528968). Invitae Evidence Modeling of protein sequence and biophysical properties (such as structural, functional, and spatial information, amino acid conservation, physicochemical variation, residue mobility, and thermodynamic stability) indicates that this missense variant is expected to disrupt RECQL4 protein function with a positive predictive value of 80%. In summary, the available evidence is currently insufficient to determine the role of this variant in disease. Therefore, it has been classified as a Variant of Uncertain Significance.

Ambry Genetics
Classification: Uncertain significance for Inborn genetic diseases. Last evaluated: 2025-08-02. Review status: criteria provided, single submitter. Criteria: Ambry Variant Classification Scheme 2023. Collection method: clinical testing. Allele origin: germline.